The following is an entry in ClinVar:

NM_000642.3(AGL):c.3704_3705insG (p.Phe1235fs)

Gene: AGL (amylo-alpha-1,6-glucosidase and 4-alpha-glucanotransferase; plus strand). Cytogenetic location: 1p21.2.
Variant type: Insertion.
Coding change: c.3704_3705insG on transcript NM_000642.3 (MANE Select); coding-DNA positions 3704 to 3705, G inserted.
Protein change: p.Phe1235fs; shifts the reading frame from phenylalanine 1235.
Molecular consequence: frameshift variant.
Genome position: GRCh38 VCF-style: chr1-99910715-T-TG. GRCh37 (hg19) VCF-style: chr1-100376271-T-TG.
Other names: c.3704_3705insG, p.Phe1235fs (NM_000028.3, NM_000643.3, NM_000644.3 and 1 more transcripts); c.3656_3657insG, p.Phe1219fs (NM_000646.3); c.3683_3684insG, p.Phe1228fs (NM_001425326.1); c.3503_3504insG, p.Phe1168fs (NM_001425327.1); c.3500_3501insG, p.Phe1167fs (NM_001425328.1); c.3365_3366insG, p.Phe1122fs (NM_001425329.1); c.3326_3327insG, p.Phe1109fs (NM_001425332.1); short protein forms F1109fs, F1122fs, F1167fs, F1168fs, F1219fs, F1228fs, F1235fs.
Identifiers: ClinVar variation 5012629 (VCV005012629.1).
Genomic context (GRCh38, chr1:99,910,715, plus strand): 5'-GTATATACTATATATAATACTTATAAAATTTTATTTTATACACATTTTGTTTTTTAGGTT[T>TG]TAATATAACTGCAGGAGTTGATGAAGAAACAGGATTTGTTTATGGAGGAAATCGTTTCAA-3'

ClinVar aggregate classification (germline): Pathogenic (1 of 4 stars; one submission).

Conditions:
Glycogen storage disease type III (GSD3). Also called: FORBES DISEASE; Cori disease. Identifiers: Orphanet 366, MedGen C0017922, MONDO:0009291, OMIM 232400.

Submission:

Myriad Genetics, Inc.
Classification: Pathogenic for Glycogen storage disease type III. Last evaluated: 2024-01-05. Review status: criteria provided, single submitter. Criteria: Myriad Autosomal Dominant, Autosomal Recessive and X-Linked Classification Criteria (2023). Collection method: clinical testing. Allele origin: unknown.
Comment: NM_000642.2(AGL):c.3704_3705insG(F1235Lfs*2) is expected to be pathogenic in the context of glycogen storage disease type III. This variant is predicted to lead to an abnormal or absent protein product due to the creation of a premature termination codon in AGL, a gene where loss-of-function variants are known to be pathogenic. Please note: this variant was assessed in the context of healthy population screening.